The following is an entry in ClinVar:

ClinVar aggregate classification (germline): Likely benign (0 of 4 stars; one submission).

Conditions:
ETV3L-related disorder. Also called: ETV3L-related condition.

Allele frequency attached by ClinVar (database versions not stated): ExAC 0.00082; ESP Exome Variant Server 0.00215; gnomAD 0.00226; TOPMed 0.00233; 1000 Genomes Project 0.00280; 1000 Genomes Project 30x 0.00281.
gnomAD v4.1: 794 of 1,614,086 alleles (0.049%); highest among the groups gnomAD compares: African/African-American, 0.8%; 3 homozygotes.

Submission:

PreventionGenetics, part of Exact Sciences
Classification: Likely benign for ETV3L-related condition. Last evaluated: 2020-06-09. Review status: no assertion criteria provided. Collection method: clinical testing. Allele origin: germline.
Comment: This variant is classified as likely benign based on ACMG/AMP sequence variant interpretation guidelines (Richards et al. 2015 PMID: 25741868, with internal and published modifications).

NM_001004341.2(ETV3L):c.791C>T (p.Ala264Val)

Gene: ETV3L (ETS variant transcription factor 3 like; minus strand). Cytogenetic location: 1q23.1.
Variant type: single nucleotide variant.
Coding change: c.791C>T on transcript NM_001004341.2 (MANE Select); coding-DNA position 791, C replaced by T.
Protein change: p.Ala264Val; replaces alanine 264 with valine.
Molecular consequence: missense variant.
Genome position (GRCh38, 1-based): chr1:157,092,944, G>A on the plus strand (C>T on the coding strand, the complement: ETV3L is on the minus strand). VCF-style: chr1-157092944-G-A. GRCh37 (hg19) VCF-style: chr1-157062736-G-A.
Other names: short protein forms A264V.
Identifiers: ClinVar variation 3048731 (VCV003048731.2), dbSNP rs78985424, ClinGen allele CA1173046.